The following is an entry in ClinVar:

NM_001113378.2(FANCI):c.2677G>A (p.Glu893Lys)

Gene: FANCI (FA complementation group I; plus strand). Cytogenetic location: 15q26.1.
Variant type: single nucleotide variant.
Coding change: c.2677G>A on transcript NM_001113378.2 (MANE Select); coding-DNA position 2677, G replaced by A.
Protein change: p.Glu893Lys; replaces glutamic acid 893 with lysine.
Molecular consequence: missense variant.
Genome position (GRCh38, 1-based): chr15:89,299,840, G>A. VCF-style: chr15-89299840-G-A. GRCh37 (hg19) VCF-style: chr15-89843071-G-A.
Other names: c.2398G>A, p.Glu800Lys (NM_001376910.1); c.2677G>A, p.Glu893Lys (NM_001376911.1); c.2497G>A, p.Glu833Lys (NM_018193.3); short protein forms E800K, E833K, E893K.
Identifiers: ClinVar variation 1940619 (VCV001940619.2), dbSNP rs2507837505, ClinGen allele CA393736617.

ClinVar aggregate classification (germline): Uncertain significance (1 of 4 stars; one submission).

Conditions:
Fanconi anemia (FA). Also called: Fanconi's anemia. Identifiers: Orphanet 84, MedGen C0015625, MeSH D005199, MONDO:0019391.

Allele frequency attached by ClinVar (database versions not stated): gnomAD exomes below 0.00001.
gnomAD v4.1: 1 of 1,613,962 alleles (0.000062%); highest among the groups gnomAD compares: Non-Finnish European, 0.000085%; no homozygotes.

Submission:

Labcorp Genetics (formerly Invitae), Labcorp
Classification: Uncertain significance for Fanconi anemia. Last evaluated: 2022-01-01. Review status: criteria provided, single submitter. Criteria: Invitae Variant Classification Sherloc (09022015). Collection method: clinical testing. Allele origin: germline.
Comment: This sequence change replaces glutamic acid, which is acidic and polar, with lysine, which is basic and polar, at codon 893 of the FANCI protein (p.Glu893Lys). This variant is not present in population databases (gnomAD no frequency). This variant has not been reported in the literature in individuals affected with FANCI-related conditions. Algorithms developed to predict the effect of missense changes on protein structure and function are either unavailable or do not agree on the potential impact of this missense change (SIFT: "Tolerated"; PolyPhen-2: "Probably Damaging"; Align-GVGD: "Class C0"). In summary, the available evidence is currently insufficient to determine the role of this variant in disease. Therefore, it has been classified as a Variant of Uncertain Significance.